The following is an entry in ClinVar:

NM_000593.6(TAP1):c.808C>T (p.Arg270Cys)

Gene: TAP1 (transporter 1, ATP binding cassette subfamily B member; minus strand). Cytogenetic location: 6p21.32.
Variant type: single nucleotide variant.
Coding change: c.808C>T on transcript NM_000593.6 (MANE Select); coding-DNA position 808, C replaced by T.
Protein change: p.Arg270Cys; replaces arginine 270 with cysteine.
Molecular consequence: missense variant.
Genome position (GRCh38, 1-based): chr6:32,852,145, G>A on the plus strand (C>T on the coding strand, the complement: TAP1 is on the minus strand). VCF-style: chr6-32852145-G-A. GRCh37 (hg19) VCF-style: chr6-32819922-G-A.
Other names: c.205C>T, p.Arg69Cys (NM_001292022.2); short protein forms R69C, R270C.
Identifiers: ClinVar variation 953392 (VCV000953392.7), dbSNP rs1257301662, ClinGen allele CA363580469.
Genomic context (GRCh38, chr6:32,852,145, plus strand): 5'-TAATGAAAGAGTTTCAGGAGAAACCTGTCTGGTTCTGTTGGAAAAACTCCGTCTCCTGGC[G>A]CAGGACAGCCCCAAACACCTCTCCCTGCAAGTGGCTGTGCACGTGGCCCATGGTGTTGTT-3'
Protein context (NP_000584.3, residues 260-280): LQGEVFGAVL[Arg270Cys]QETEFFQQNQ

ClinVar aggregate classification (germline): Uncertain significance (1 of 4 stars; one submission).

Conditions:
MHC class I deficiency. Identifiers: Orphanet 34592, MedGen C6024714, MONDO:0011476.

gnomAD v4.1: 1 of 1,613,020 alleles (0.000062%); highest among the groups gnomAD compares: Non-Finnish European, 0.000085%; no homozygotes.

Submission:

Labcorp Genetics (formerly Invitae), Labcorp
Classification: Uncertain significance for MHC class I deficiency 1. Last evaluated: 2022-08-15. Review status: criteria provided, single submitter. Criteria: Invitae Variant Classification Sherloc (09022015). Collection method: clinical testing. Allele origin: germline.
Comment: In summary, the available evidence is currently insufficient to determine the role of this variant in disease. Therefore, it has been classified as a Variant of Uncertain Significance. Algorithms developed to predict the effect of missense changes on protein structure and function output the following: SIFT: "Deleterious"; PolyPhen-2: "Benign"; Align-GVGD: "Class C0". The cysteine amino acid residue is found in multiple mammalian species, which suggests that this missense change does not adversely affect protein function. ClinVar contains an entry for this variant (Variation ID: 953392). This variant has not been reported in the literature in individuals affected with TAP1-related conditions. This variant is not present in population databases (gnomAD no frequency). This sequence change replaces arginine, which is basic and polar, with cysteine, which is neutral and slightly polar, at codon 330 of the TAP1 protein (p.Arg330Cys).